The following is an entry in ClinVar:

ClinVar aggregate classification (germline): Pathogenic (1 of 4 stars; one submission).

Conditions:
Neuronopathy, distal hereditary motor, autosomal recessive 5. Also called: Young adult-onset distal hereditary motor neuropathy; NEUROPATHY, DISTAL HEREDITARY MOTOR, AUTOSOMAL RECESSIVE 5; Spinal muscular atrophy, distal, autosomal recessive, 5. Identifiers: Orphanet 314485, Orphanet 443950, MedGen C4749918, MONDO:0013947, OMIM 614881.

Allele frequency attached by ClinVar (database versions not stated): ExAC 0.00001; gnomAD 0.00001 and 0.00002; gnomAD exomes 0.00001.

Submission:

Lupski Lab, Baylor-Hopkins CMG, Baylor College of Medicine
Classification: Pathogenic for Neuronopathy, distal hereditary motor, autosomal recessive 5. Last evaluated: 2015-08-18. Review status: criteria provided, single submitter. Criteria: Gonzaga-Jauregui et al. (Cell Rep. 2015). Collection method: research. Allele origin: germline. Inheritance: Autosomal recessive inheritance. Affected: yes. Observed: 1 variant allele, 1 homozygote.

NM_006736.6(DNAJB2):c.620-1G>A

Gene: DNAJB2 (DnaJ heat shock protein family (Hsp40) member B2; plus strand). Cytogenetic location: 2q35.
Variant type: single nucleotide variant.
Coding change: c.620-1G>A on transcript NM_006736.6 (MANE Select); the canonical splice acceptor site of the intron before coding-DNA position 620, G replaced by A.
Molecular consequence: splice acceptor variant.
Genome position (GRCh38, 1-based): chr2:219,284,631, G>A. VCF-style: chr2-219284631-G-A. GRCh37 (hg19) VCF-style: chr2-220149353-G-A.
Other names: c.620-1G>A (NM_001039550.2).
Identifiers: ClinVar variation 246691 (VCV000246691.1), dbSNP rs764813110, ClinGen allele CA2123066.